The following is an entry in ClinVar:

ClinVar aggregate classification (germline): Uncertain significance (1 of 4 stars; one submission).

Conditions:
Ataxia-telangiectasia syndrome (AT). Also called: Ataxia-telangiectasia, complementation group D; AT, COMPLEMENTATION GROUP C; ATAXIA-TELANGIECTASIA, COMPLEMENTATION GROUP A; ATAXIA-TELANGIECTASIA, FRESNO VARIANT; Ataxia-telangiectasia; LOUIS-BAR SYNDROME. Identifiers: Orphanet 100, MedGen C0004135, MONDO:0008840, OMIM 208900.

Submission:

Labcorp Genetics (formerly Invitae), Labcorp
Classification: Uncertain significance for Ataxia-telangiectasia syndrome. Last evaluated: 2018-07-16. Review status: criteria provided, single submitter. Criteria: Invitae Variant Classification Sherloc (09022015). Collection method: clinical testing. Allele origin: germline.
Comment: This variant is not present in population databases (ExAC no frequency). This sequence change replaces proline with histidine at codon 2518 of the ATM protein (p.Pro2518His). The proline residue is highly conserved and there is a moderate physicochemical difference between proline and histidine. This variant has not been reported in the literature in individuals with ATM-related disease. Algorithms developed to predict the effect of missense changes on protein structure and function (SIFT, PolyPhen-2, Align-GVGD) all suggest that this variant is likely to be disruptive, but these predictions have not been confirmed by published functional studies and their clinical significance is uncertain. In summary, the available evidence is currently insufficient to determine the role of this variant in disease. Therefore, it has been classified as a Variant of Uncertain Significance.

NM_000051.4(ATM):c.7553C>A (p.Pro2518His)

Genes: ATM (ATM serine/threonine kinase; plus strand), C11orf65 (chromosome 11 open reading frame 65; minus strand). Cytogenetic location: 11q22.3.
Variant type: single nucleotide variant.
Coding change: c.7553C>A on transcript NM_000051.4 (MANE Select); coding-DNA position 7553, C replaced by A.
Protein change: p.Pro2518His; replaces proline 2518 with histidine.
Molecular consequence: missense variant. On other transcripts: non-coding transcript variant (1), intron variant (2).
Genome position (GRCh38, 1-based): chr11:108,331,481, C>A. VCF-style: chr11-108331481-C-A. GRCh37 (hg19) VCF-style: chr11-108202208-C-A.
Other names: c.7553C>A, p.Pro2518His (NM_001351834.2); c.641-22410G>T (NM_001330368.2); c.*38+3739G>T (NM_001351110.2); short protein forms P2518H.
Identifiers: ClinVar variation 655062 (VCV000655062.9), dbSNP rs879254136, ClinGen allele CA382560713.